The following is an entry in ClinVar:

ClinVar aggregate classification (germline): Likely benign (1 of 4 stars; one submission).

Allele frequency attached by ClinVar (database versions not stated): 1000 Genomes Project 0.00020; 1000 Genomes Project 30x 0.00047; TOPMed 0.00221; gnomAD 0.00226 and 0.00232.
gnomAD v4.1: 341 of 152,308 alleles (0.22%); highest among the groups gnomAD compares: Non-Finnish European, 0.38%; 1 homozygote.

Submission:

CeGaT Center for Human Genetics Tuebingen
Classification: Likely benign. Last evaluated: 2023-05-01. Review status: criteria provided, single submitter. Criteria: CeGaT Center For Human Genetics Tuebingen Variant Classification Criteria Version 2. Collection method: clinical testing. Allele origin: germline. Affected: yes. Observed: 4 variant alleles.
Comment: CHEK2: BS1

NM_007194.4(CHEK2):c.684-432G>A

Gene: CHEK2 (checkpoint kinase 2; minus strand). Cytogenetic location: 22q12.1.
Variant type: single nucleotide variant.
Coding change: c.684-432G>A on transcript NM_007194.4 (MANE Select); 432 bases into the intron before coding-DNA position 684, G replaced by A.
Molecular consequence: intron variant.
Genome position (GRCh38, 1-based): chr22:28,712,449, C>T on the plus strand (G>A on the coding strand, the complement: CHEK2 is on the minus strand). VCF-style: chr22-28712449-C-T. GRCh37 (hg19) VCF-style: chr22-29108437-C-T.
Other names: c.21-432G>A (NM_001437942.1, NM_001257387.3); c.483-432G>A (NM_001349956.3); c.684-432G>A (NM_145862.3); c.777-432G>A (NM_001438295.1, NM_001438293.1); c.813-432G>A (NM_001438294.1, NM_001005735.3).
Identifiers: ClinVar variation 1695040 (VCV001695040.31), dbSNP rs17879919, ClinGen allele CA323022678.